The following is an entry in ClinVar:

NM_001365999.1(SZT2):c.8459C>T (p.Thr2820Ile)

Gene: SZT2 (SZT2 subunit of KICSTOR complex; plus strand). Cytogenetic location: 1p34.2.
Variant type: single nucleotide variant.
Coding change: c.8459C>T on transcript NM_001365999.1 (MANE Select); coding-DNA position 8459, C replaced by T.
Protein change: p.Thr2820Ile; replaces threonine 2820 with isoleucine.
Molecular consequence: missense variant.
Genome position (GRCh38, 1-based): chr1:43,443,227, C>T. VCF-style: chr1-43443227-C-T. GRCh37 (hg19) VCF-style: chr1-43908898-C-T.
Other names: c.8288C>T, p.Thr2763Ile (NM_015284.4); short protein forms T2763I, T2820I.
Identifiers: ClinVar variation 521494 (VCV000521494.16), dbSNP rs776178283, ClinGen allele CA810553.
Genomic context (GRCh38, chr1:43,443,227, plus strand): 5'-ACTAATGCCCTCAACCCTCAGAGCTGGAGCGCCAGATGAAGATGGAAAACCTGTTTGTAA[C>T]CTGGCAGCAGCGTTCTACCCCAGCCACCATGCCCATCAGTGTGAGTGACCCCAGCTTGCA-3'
Protein context (NP_001352928.1, residues 2810-2830): RQMKMENLFV[Thr2820Ile]WQQRSTPATM

ClinVar aggregate classification (germline): Uncertain significance. Review status: criteria provided, multiple submitters, no conflicts (2 of 4 stars). 4 submissions from 4 submitters: Uncertain significance (4). Last evaluated 2025-10-14.

Conditions:
Inborn genetic diseases. Identifiers: MedGen C0950123, MeSH D030342.
Developmental and epileptic encephalopathy, 18 (DEE18). Also called: Early infantile epileptic encephalopathy 18. Identifiers: Orphanet 369894, MedGen C3809624, MONDO:0014201, OMIM 615476.

Allele frequency attached by ClinVar (database versions not stated): TOPMed 0.00001; gnomAD 0.00002 and 0.00003; gnomAD exomes 0.00003 and 0.00016; ExAC 0.00012.
gnomAD v4.1: 53 of 1,614,032 alleles (0.0033%); highest among the groups gnomAD compares: Admixed American, 0.07%; no homozygotes.

Submissions (4):

GeneDx
Classification: Uncertain significance. Last evaluated: 2025-10-14. Review status: criteria provided, single submitter. Criteria: GeneDx Variant Classification Process June 2021. Collection method: clinical testing. Allele origin: germline. Affected: yes.
Comment: In silico analysis suggests that this missense variant does not alter protein structure/function; Has not been previously published as pathogenic or benign to our knowledge

Labcorp Genetics (formerly Invitae), Labcorp
Classification: Uncertain significance. Last evaluated: 2023-10-13. Review status: criteria provided, single submitter. Criteria: Invitae Variant Classification Sherloc (09022015). Collection method: clinical testing. Allele origin: germline.
Comment: This sequence change replaces threonine, which is neutral and polar, with isoleucine, which is neutral and non-polar, at codon 2763 of the SZT2 protein (p.Thr2763Ile). This variant is present in population databases (rs776178283, gnomAD 0.09%). This variant has not been reported in the literature in individuals affected with SZT2-related conditions. ClinVar contains an entry for this variant (Variation ID: 521494). Advanced modeling of protein sequence and biophysical properties (such as structural, functional, and spatial information, amino acid conservation, physicochemical variation, residue mobility, and thermodynamic stability) has been performed at Invitae for this missense variant, however the output from this modeling did not meet the statistical confidence thresholds required to predict the impact of this variant on SZT2 protein function. In summary, the available evidence is currently insufficient to determine the role of this variant in disease. Therefore, it has been classified as a Variant of Uncertain Significance.

Genome-Nilou Lab
Classification: Uncertain significance for Developmental and epileptic encephalopathy, 18. Last evaluated: 2023-04-11. Review status: criteria provided, single submitter. Criteria: ACMG Guidelines, 2015. Collection method: clinical testing. Allele origin: germline. Affected: no.

Ambry Genetics
Classification: Uncertain significance for Inborn genetic diseases. Last evaluated: 2017-03-13. Review status: criteria provided, single submitter. Criteria: Ambry exome assertion method (8-5-2015). Collection method: clinical testing. Allele origin: germline. Affected: yes. Observed: 1 variant allele.